The following is an entry in ClinVar:

NM_001080449.3(DNA2):c.1042del (p.His348fs)

Gene: DNA2 (DNA replication helicase/nuclease 2; minus strand). Cytogenetic location: 10q21.3.
Variant type: Deletion.
Coding change: c.1042del on transcript NM_001080449.3 (MANE Select); coding-DNA position 1042, one base deleted (C; older notation c.1042delC).
Protein change: p.His348fs; shifts the reading frame from histidine 348.
Molecular consequence: frameshift variant. On other transcripts: non-coding transcript variant (1).
Genome position (GRCh38, 1-based): chr10:68,446,311, G deleted on the plus strand (C on the coding strand, the reverse complement: DNA2 is on the minus strand); the first of 2 consecutive G bases (chr10:68,446,311-68,446,312); deleting either gives the same sequence. VCF-style (leftmost placement, unchanged base first): chr10-68446310-TG-T. GRCh37 (hg19) VCF-style: chr10-70206067-TG-T.
Other names: short protein forms H348fs.
Identifiers: ClinVar variation 3607433 (VCV003607433.2).
Genomic context (GRCh38, chr10:68,446,310, plus strand): 5'-TGGGGGGGTGGGCAAAGAAGTAAAACTAAAAAAAAAACGGCTCAACCTCTTTTATCTAGA[TG>T]GTTGGCAGGCACAGGGTACATCTGACCAGTCTTGAGGTAGAGAAGCAAGCCAGCCTCTGG-3'

ClinVar aggregate classification (germline): Uncertain significance (1 of 4 stars; one submission).

Submission:

Labcorp Genetics (formerly Invitae), Labcorp
Classification: Uncertain significance. Last evaluated: 2025-10-15. Review status: criteria provided, single submitter. Criteria: Invitae Variant Classification Sherloc (09022015). Collection method: clinical testing. Allele origin: germline.
Comment: This sequence change creates a premature translational stop signal (p.His348Ilefs*2) in the DNA2 gene. It is expected to result in an absent or disrupted protein product. However, the current clinical and genetic evidence is not sufficient to establish whether loss-of-function variants in DNA2 cause disease. This variant is present in population databases (no rsID available, gnomAD 0.007%). This variant has not been reported in the literature in individuals affected with DNA2-related conditions. ClinVar contains an entry for this variant (Variation ID: 3607433). In summary, the available evidence is currently insufficient to determine the role of this variant in disease. Therefore, it has been classified as a Variant of Uncertain Significance.